The following is an entry in ClinVar:

NM_003560.4(PLA2G6):c.428G>A (p.Cys143Tyr)

Gene: PLA2G6 (phospholipase A2 group VI; minus strand). Cytogenetic location: 22q13.1.
Variant type: single nucleotide variant.
Coding change: c.428G>A on transcript NM_003560.4 (MANE Select); coding-DNA position 428, G replaced by A.
Protein change: p.Cys143Tyr; replaces cysteine 143 with tyrosine.
Molecular consequence: missense variant. On other transcripts: 5 prime UTR variant (3).
Genome position (GRCh38, 1-based): chr22:38,143,286, C>T on the plus strand (G>A on the coding strand, the complement: PLA2G6 is on the minus strand). VCF-style: chr22-38143286-C-T. GRCh37 (hg19) VCF-style: chr22-38539293-C-T.
Other names: c.428G>A, p.Cys143Tyr (NM_001004426.3, NM_001199562.3, NM_001349864.2 and 2 more transcripts); c.-107G>A (NM_001349867.2, NM_001349869.2); c.-63G>A (NM_001349868.2); short protein forms C143Y.
Identifiers: ClinVar variation 1936293 (VCV001936293.7), dbSNP rs986508010, ClinGen allele CA324210836.

ClinVar aggregate classification (germline): Uncertain significance. Review status: criteria provided, multiple submitters, no conflicts (2 of 4 stars). 2 submissions from 2 submitters: Uncertain significance (2). Last evaluated 2026-06-01.

Conditions:
Infantile neuroaxonal dystrophy (NBIA2A). Also called: NEURODEGENERATION WITH BRAIN IRON ACCUMULATION 2A; Infantile neuroaxonal dystrophy 1; SEITELBERGER DISEASE. Identifiers: Orphanet 35069, MedGen C0270724, MONDO:0024457, OMIM 256600.

Submissions (2):

CeGaT Center for Human Genetics Tuebingen
Classification: Uncertain significance. Last evaluated: 2026-06-01. Review status: criteria provided, single submitter. Criteria: CeGaT Center For Human Genetics Tuebingen Variant Classification Criteria Version 2. Collection method: clinical testing. Allele origin: germline. Affected: yes. Observed: 1 variant allele.
Comment: PLA2G6: PM2

Labcorp Genetics (formerly Invitae), Labcorp
Classification: Uncertain significance for Infantile neuroaxonal dystrophy. Last evaluated: 2022-02-06. Review status: criteria provided, single submitter. Criteria: Invitae Variant Classification Sherloc (09022015). Collection method: clinical testing. Allele origin: germline.
Comment: This sequence change replaces cysteine, which is neutral and slightly polar, with tyrosine, which is neutral and polar, at codon 143 of the PLA2G6 protein (p.Cys143Tyr). In summary, the available evidence is currently insufficient to determine the role of this variant in disease. Therefore, it has been classified as a Variant of Uncertain Significance. Algorithms developed to predict the effect of missense changes on protein structure and function are either unavailable or do not agree on the potential impact of this missense change (SIFT: "Deleterious"; PolyPhen-2: "Possibly Damaging"; Align-GVGD: "Class C0"). This variant has not been reported in the literature in individuals affected with PLA2G6-related conditions. This variant is not present in population databases (gnomAD no frequency).